The following is an entry in ClinVar:

NM_001128840.3(CACNA1D):c.5935C>G (p.Arg1979Gly)

Gene: CACNA1D (calcium voltage-gated channel subunit alpha1 D; plus strand). Cytogenetic location: 3p21.1.
Variant type: single nucleotide variant.
Coding change: c.5935C>G on transcript NM_001128840.3 (MANE Select); coding-DNA position 5935, C replaced by G.
Protein change: p.Arg1979Gly; replaces arginine 1979 with glycine.
Molecular consequence: missense variant.
Genome position (GRCh38, 1-based): chr3:53,810,041, C>G. VCF-style: chr3-53810041-C-G. GRCh37 (hg19) VCF-style: chr3-53844068-C-G.
Other names: c.5995C>G, p.Arg1999Gly (NM_000720.4); c.5863C>G, p.Arg1955Gly (NM_001128839.3); short protein forms R1955G, R1979G, R1999G.
Identifiers: ClinVar variation 2956667 (VCV002956667.3), dbSNP rs777154919, ClinGen allele CA353258008.

ClinVar aggregate classification (germline): Uncertain significance (1 of 4 stars; one submission).

gnomAD v4.1: 2 of 1,614,014 alleles (0.00012%); highest among the groups gnomAD compares: Non-Finnish European, 0.00017%; no homozygotes.

Submission:

Labcorp Genetics (formerly Invitae), Labcorp
Classification: Uncertain significance. Last evaluated: 2023-04-22. Review status: criteria provided, single submitter. Criteria: Invitae Variant Classification Sherloc (09022015). Collection method: clinical testing. Allele origin: germline.
Comment: This variant has not been reported in the literature in individuals affected with CACNA1D-related conditions. In summary, the available evidence is currently insufficient to determine the role of this variant in disease. Therefore, it has been classified as a Variant of Uncertain Significance. An algorithm developed to predict the effect of missense changes on protein structure and function (PolyPhen-2) suggests that this variant is likely to be tolerated. This variant is not present in population databases (gnomAD no frequency). This sequence change replaces arginine, which is basic and polar, with glycine, which is neutral and non-polar, at codon 1999 of the CACNA1D protein (p.Arg1999Gly).